The following is an entry in ClinVar:

ClinVar aggregate classification (germline): Benign/Likely benign. Review status: criteria provided, multiple submitters, no conflicts (2 of 4 stars). 3 submissions from 3 submitters: Benign (1); Likely benign (2). Last evaluated 2024-07-03.

Conditions:
Oligodontia-cancer predisposition syndrome. Also called: TOOTH AGENESIS-COLORECTAL CANCER SYNDROME. Identifiers: Orphanet 300576, MedGen C1837750, MONDO:0012075, OMIM 608615. Disease mechanism: loss of function.
Hereditary cancer-predisposing syndrome. Also called: Hereditary Cancer Syndrome; Hereditary neoplastic syndrome; Neoplastic Syndromes, Hereditary; Tumor predisposition. Identifiers: Orphanet 140162, MedGen C0027672, MeSH D009386, MONDO:0015356.

Submissions (3):

Myriad Genetics, Inc.
Classification: Benign for Oligodontia-cancer predisposition syndrome. Last evaluated: 2024-07-03. Review status: criteria provided, single submitter. Criteria: Myriad Autosomal Dominant, Autosomal Recessive and X-Linked Classification Criteria (2023). Collection method: clinical testing. Allele origin: unknown.
Comment: This variant is considered benign. This variant is a silent/synonymous amino acid change and it is not expected to impact splicing.

Ambry Genetics
Classification: Likely benign for Hereditary cancer-predisposing syndrome. Last evaluated: 2021-11-22. Review status: criteria provided, single submitter. Criteria: Ambry Variant Classification Scheme 2023. Collection method: clinical testing. Allele origin: germline.

GeneDx
Classification: Likely benign. Last evaluated: 2016-05-06. Review status: criteria provided, single submitter. Criteria: GeneDx Variant Classification (06012015). Collection method: clinical testing. Allele origin: germline. Affected: yes.
Comment: This variant is considered likely benign or benign based on one or more of the following criteria: it is a conservative change, it occurs at a poorly conserved position in the protein, it is predicted to be benign by multiple in silico algorithms, and/or has population frequency not consistent with disease.

NM_004655.4(AXIN2):c.1479G>C (p.Ser493=)

Gene: AXIN2 (axin 2; minus strand). Cytogenetic location: 17q24.1.
Variant type: single nucleotide variant.
Coding change: c.1479G>C on transcript NM_004655.4 (MANE Select); coding-DNA position 1479, G replaced by C.
Protein change: p.Ser493=; no amino-acid change (serine 493 retained).
Molecular consequence: synonymous variant.
Genome position (GRCh38, 1-based): chr17:65,537,557, C>G on the plus strand (G>C on the coding strand, the complement: AXIN2 is on the minus strand). VCF-style: chr17-65537557-C-G. GRCh37 (hg19) VCF-style: chr17-63533675-C-G.
Other names: c.1479G>C (LRG_296t1); c.1479G>C, p.Ser493= (NM_001363813.1).
Identifiers: ClinVar variation 386025 (VCV000386025.4), dbSNP rs1057522399, ClinGen allele CA16607448.
Genomic context (GRCh38, chr17:65,537,557, plus strand): 5'-ATGCTTCGTCGTCTGCTTGGTCACAAAGCCTTTGCCCCCGAGGAGGGGGCAGGCGCCCGG[C>G]GAGGCGGCCGCGGGAGGCAGCTTGCCACCGGGCGGGAGCAGGGAGTGGTACTGCGAATGG-3'
Protein context (NP_004646.3, residues 483-503): PGGKLPPAAA[Ser493=]PGACPLLGGK